The following is an entry in ClinVar:

ClinVar aggregate classification (germline): Uncertain significance (1 of 4 stars; one submission).

Submission:

Labcorp Genetics (formerly Invitae), Labcorp
Classification: Uncertain significance. Last evaluated: 2025-06-12. Review status: criteria provided, single submitter. Criteria: Invitae Variant Classification Sherloc (09022015). Collection method: clinical testing. Allele origin: germline.
Comment: This sequence change replaces glutamic acid, which is acidic and polar, with aspartic acid, which is acidic and polar, at codon 2203 of the SON protein (p.Glu2203Asp). This variant is not present in population databases (gnomAD no frequency). This variant has not been reported in the literature in individuals affected with SON-related conditions. ClinVar contains an entry for this variant (Variation ID: 3668677). Experimental studies and prediction algorithms are not available or were not evaluated, and the functional significance of this variant is currently unknown. In summary, the available evidence is currently insufficient to determine the role of this variant in disease. Therefore, it has been classified as a Variant of Uncertain Significance.

NM_138927.4(SON):c.6609A>C (p.Glu2203Asp)

Gene: SON (SON DNA and RNA binding protein; plus strand). Cytogenetic location: 21q22.11.
Variant type: single nucleotide variant.
Coding change: c.6609A>C on transcript NM_138927.4 (MANE Select); coding-DNA position 6609, A replaced by C.
Protein change: p.Glu2203Asp; replaces glutamic acid 2203 with aspartic acid.
Molecular consequence: missense variant. On other transcripts: non-coding transcript variant (1).
Genome position (GRCh38, 1-based): chr21:33,559,727, A>C. VCF-style: chr21-33559727-A-C. GRCh37 (hg19) VCF-style: chr21-34932033-A-C.
Other names: c.693A>C, p.Glu231Asp (NM_001291412.3); c.6609A>C, p.Glu2203Asp (NM_032195.3); short protein forms E2203D, E231D.
Identifiers: ClinVar variation 3668677 (VCV003668677.2).